The following is an entry in ClinVar:

ClinVar aggregate classification (germline): Conflicting classifications of pathogenicity. Review status: criteria provided, conflicting classifications (1 of 4 stars). 3 submissions from 3 submitters: Uncertain significance (1); Likely benign (2). Last evaluated 2026-02-24.

Conditions:
Fanconi anemia (FA). Also called: Fanconi's anemia. Identifiers: Orphanet 84, MedGen C0015625, MeSH D005199, MONDO:0019391.
Inborn genetic diseases. Identifiers: MedGen C0950123, MeSH D030342.

Submissions (3):

Ambry Genetics
Classification: Likely benign for Inborn genetic diseases. Last evaluated: 2026-02-24. Review status: criteria provided, single submitter. Criteria: Ambry Variant Classification Scheme 2023. Collection method: clinical testing. Allele origin: germline.

Quest Diagnostics Nichols Institute San Juan Capistrano
Classification: Uncertain significance. Last evaluated: 2025-02-11. Review status: criteria provided, single submitter. Criteria: Quest Diagnostics criteria. Collection method: clinical testing. Allele origin: unknown.
Comment: The FANCA c.1086C>T (p.Leu362=) synonymous variant has not been reported in individuals with FANCA-related conditions in the published literature. It also has not been reported in large, multi-ethnic general populations (Genome Aggregation Database). Analysis of this variant using software algorithms for the prediction of the effect of nucleotide changes on splicing yielded predictions that this variant does not affect FANCA mRNA splicing. Based on the available information, we are unable to determine the clinical significance of this variant.

Labcorp Genetics (formerly Invitae), Labcorp
Classification: Likely benign for Fanconi anemia. Last evaluated: 2021-07-15. Review status: criteria provided, single submitter. Criteria: Invitae Variant Classification Sherloc (09022015). Collection method: clinical testing. Allele origin: germline.

NM_000135.4(FANCA):c.1086C>T (p.Leu362=)

Gene: FANCA (FA complementation group A; minus strand). Cytogenetic location: 16q24.3.
Variant type: single nucleotide variant.
Coding change: c.1086C>T on transcript NM_000135.4 (MANE Select); coding-DNA position 1086, C replaced by T.
Protein change: p.Leu362=; no amino-acid change (leucine 362 retained).
Molecular consequence: synonymous variant.
Genome position (GRCh38, 1-based): chr16:89,792,066, G>A on the plus strand (C>T on the coding strand, the complement: FANCA is on the minus strand). VCF-style: chr16-89792066-G-A. GRCh37 (hg19) VCF-style: chr16-89858474-G-A.
Other names: c.1086C>T, p.Leu362= (NM_001286167.3); c.1086C>T (NM_000135.3, NM_000135.2).
Identifiers: ClinVar variation 1619706 (VCV001619706.10), dbSNP rs2143530829, ClinGen allele CA497192780.